The following is an entry in ClinVar:

ClinVar aggregate classification (germline): Uncertain significance. Review status: criteria provided, multiple submitters, no conflicts (2 of 4 stars). 2 submissions from 2 submitters: Uncertain significance (2). Last evaluated 2024-07-25.

Conditions:
Hereditary cancer-predisposing syndrome. Also called: Tumor predisposition; Hereditary neoplastic syndrome; Neoplastic Syndromes, Hereditary; Hereditary Cancer Syndrome. Identifiers: Orphanet 140162, MedGen C0027672, MeSH D009386, MONDO:0015356.
Ataxia-telangiectasia syndrome (AT). Also called: Ataxia-telangiectasia, complementation group D; AT, COMPLEMENTATION GROUP C; ATAXIA-TELANGIECTASIA, COMPLEMENTATION GROUP A; ATAXIA-TELANGIECTASIA, FRESNO VARIANT; Ataxia-telangiectasia; LOUIS-BAR SYNDROME. Identifiers: Orphanet 100, MedGen C0004135, MONDO:0008840, OMIM 208900.

gnomAD v4.1: 1 of 1,613,446 alleles (0.000062%); highest among the groups gnomAD compares: Non-Finnish European, 0.000085%; no homozygotes.

Submissions (2):

Ambry Genetics
Classification: Uncertain significance for Hereditary cancer-predisposing syndrome. Last evaluated: 2024-07-25. Review status: criteria provided, single submitter. Criteria: Ambry Variant Classification Scheme 2023. Collection method: clinical testing. Allele origin: germline.
Comment: The p.P2328A variant (also known as c.6982C>G), located in coding exon 47 of the ATM gene, results from a C to G substitution at nucleotide position 6982. The proline at codon 2328 is replaced by alanine, an amino acid with highly similar properties. This amino acid position is conserved. In addition, this alteration is predicted to be tolerated by in silico analysis. Based on the available evidence, the clinical significance of this variant remains unclear.

Labcorp Genetics (formerly Invitae), Labcorp
Classification: Uncertain significance for Ataxia-telangiectasia syndrome. Last evaluated: 2021-08-27. Review status: criteria provided, single submitter. Criteria: Invitae Variant Classification Sherloc (09022015). Collection method: clinical testing. Allele origin: germline.
Comment: This sequence change replaces proline with alanine at codon 2328 of the ATM protein (p.Pro2328Ala). The proline residue is moderately conserved and there is a small physicochemical difference between proline and alanine. This variant is not present in population databases (ExAC no frequency). This variant has not been reported in the literature in individuals affected with ATM-related conditions. Algorithms developed to predict the effect of missense changes on protein structure and function output the following: SIFT: "Tolerated"; PolyPhen-2: "Benign"; Align-GVGD: "Class C0". The alanine amino acid residue is found in multiple mammalian species, which suggests that this missense change does not adversely affect protein function. In summary, the available evidence is currently insufficient to determine the role of this variant in disease. Therefore, it has been classified as a Variant of Uncertain Significance.

NM_000051.4(ATM):c.6982C>G (p.Pro2328Ala)

Genes: ATM (ATM serine/threonine kinase; plus strand), C11orf65 (chromosome 11 open reading frame 65; minus strand). Cytogenetic location: 11q22.3.
Variant type: single nucleotide variant.
Coding change: c.6982C>G on transcript NM_000051.4 (MANE Select); coding-DNA position 6982, C replaced by G.
Protein change: p.Pro2328Ala; replaces proline 2328 with alanine.
Molecular consequence: missense variant. On other transcripts: intron variant (2).
Genome position (GRCh38, 1-based): chr11:108,327,651, C>G. VCF-style: chr11-108327651-C-G. GRCh37 (hg19) VCF-style: chr11-108198378-C-G.
Other names: c.6982C>G, p.Pro2328Ala (NM_001351834.2); c.641-18580G>C (NM_001330368.2); c.*38+7569G>C (NM_001351110.2); short protein forms P2328A.
Identifiers: ClinVar variation 644016 (VCV000644016.8), dbSNP rs769606850, ClinGen allele CA382557756.